The following is an entry in ClinVar:

NM_000214.3(JAG1):c.1261T>C (p.Cys421Arg)

Gene: JAG1 (jagged canonical Notch ligand 1; minus strand). Cytogenetic location: 20p12.2.
Variant type: single nucleotide variant.
Coding change: c.1261T>C on transcript NM_000214.3 (MANE Select); coding-DNA position 1261, T replaced by C.
Protein change: p.Cys421Arg; replaces cysteine 421 with arginine.
Molecular consequence: missense variant.
Genome position (GRCh38, 1-based): chr20:10,649,609, A>G on the plus strand (T>C on the coding strand, the complement: JAG1 is on the minus strand). VCF-style: chr20-10649609-A-G. GRCh37 (hg19) VCF-style: chr20-10630257-A-G.
Other names: short protein forms C421R.
Identifiers: ClinVar variation 3862101 (VCV003862101.1).
Genomic context (GRCh38, chr20:10,649,609, plus strand): 5'-CGGGAAGACAGTCGCAGTAGTAGCTGGCAATGAGATTCTTACAGGATTTGGCGTTTACAC[A>G]AGGTTTGGCCTCACATTCATTTGCATCTGAAAGGAGATGGGGATGAGCATGAGAAATGAA-3'
Protein context (NP_000205.1, residues 411-431): LDANECEAKP[Cys421Arg]VNAKSCKNLI

ClinVar aggregate classification (germline): Uncertain significance (1 of 4 stars; one submission).

Conditions:
Cardiovascular phenotype. Identifiers: MedGen CN230736.

Submission:

Ambry Genetics
Classification: Uncertain significance for Cardiovascular phenotype. Last evaluated: 2025-01-16. Review status: criteria provided, single submitter. Criteria: Ambry Variant Classification Scheme 2023. Collection method: clinical testing. Allele origin: germline.
Comment: The p.C421R variant (also known as c.1261T>C), located in coding exon 10 of the JAG1 gene, results from a T to C substitution at nucleotide position 1261. The cysteine at codon 421 is replaced by arginine, an amino acid with highly dissimilar properties. This amino acid position is conserved. In addition, this alteration is predicted to be deleterious by in silico analysis. Based on the available evidence, the clinical significance of this variant remains unclear.